The following is an entry in ClinVar:

ClinVar aggregate classification (germline): Pathogenic (1 of 4 stars; one submission).

Conditions:
Stickler syndrome. Identifiers: Orphanet 828, MedGen C0265253, MONDO:0019354.

Submission:

Cambridge Genomics Laboratory, East Genomic Laboratory Hub, NHS Genomic Medicine Service
Classification: Pathogenic for Stickler syndrome. Last evaluated: 2025-04-07. Review status: criteria provided, single submitter. Criteria: ACGS Best Practice Guidelines for Variant Classification in Rare Disease 2020. Collection method: clinical testing. Allele origin: germline. Affected: yes.
Comment: PVS1,PM2

NM_001844.5(COL2A1):c.3718_3736del (p.Arg1240fs)

Gene: COL2A1 (collagen type II alpha 1 chain; minus strand). Cytogenetic location: 12q13.11.
Variant type: Deletion.
Coding change: c.3718_3736del on transcript NM_001844.5 (MANE Select); coding-DNA positions 3718 to 3736, 19 bases deleted (CGGGCCGACCAGGCAGCCG).
Protein change: p.Arg1240fs; shifts the reading frame from arginine 1240.
Molecular consequence: frameshift variant.
Genome position (GRCh38, 1-based): chr12:47,975,467-47,975,485, CGGCTGCCTGGTCGGCCCG deleted on the plus strand (CGGGCCGACCAGGCAGCCG on the coding strand, the reverse complement: COL2A1 is on the minus strand); deleting any 19 consecutive bases within chr12:47,975,467-47,975,486 gives the same sequence; the c. name uses the placement nearest the transcript's 3' end. VCF-style (leftmost placement, unchanged base first): chr12-47975466-CCGGCTGCCTGGTCGGCCCG-C. GRCh37 (hg19) VCF-style: chr12-48369249-CCGGCTGCCTGGTCGGCCCG-C.
Other names: c.3511_3529del, p.Arg1171fs (NM_033150.3); short protein forms R1171fs, R1240fs.
Identifiers: ClinVar variation 4683160 (VCV004683160.1).